The following is an entry in ClinVar:

NM_024675.4(PALB2):c.774T>C (p.Ser258=)

Gene: PALB2 (partner and localizer of BRCA2; minus strand). Cytogenetic location: 16p12.2.
Variant type: single nucleotide variant.
Coding change: c.774T>C on transcript NM_024675.4 (MANE Select); coding-DNA position 774, T replaced by C.
Protein change: p.Ser258=; no amino-acid change (serine 258 retained).
Molecular consequence: synonymous variant.
Genome position (GRCh38, 1-based): chr16:23,635,772, A>G on the plus strand (T>C on the coding strand, the complement: PALB2 is on the minus strand). VCF-style: chr16-23635772-A-G. GRCh37 (hg19) VCF-style: chr16-23647093-A-G.
Identifiers: ClinVar variation 762152 (VCV000762152.10), dbSNP rs1597098315, ClinGen allele CA494461600.
Genomic context (GRCh38, chr16:23,635,772, plus strand): 5'-TAGGTCGTGAGTAGTAAGTTCACTGCTACCTTTAGGAGGAATGTGTTCAAGGTGCTGACT[A>G]CTACCGCTATCTGATAGAGTCTGTAAAGGAACTGTAGTCGCCCTGGTGAAATTAGGTCTT-3'
Protein context (NP_078951.2, residues 248-268): VPLQTLSDSG[Ser258=]SQHLEHIPPK

ClinVar aggregate classification (germline): Benign/Likely benign. Review status: criteria provided, multiple submitters, no conflicts (2 of 4 stars). 2 submissions from 2 submitters: Benign (1); Likely benign (1). Last evaluated 2025-01-10.

Conditions:
Familial cancer of breast. Also called: Hereditary breast cancer; BREAST CANCER, FAMILIAL; hereditary breast carcinoma. Identifiers: Orphanet 227535, MedGen C0346153, MONDO:0016419, OMIM 114480. Disease mechanism: loss of function.

Submissions (2):

Myriad Genetics, Inc.
Classification: Benign for Familial cancer of breast. Last evaluated: 2025-01-10. Review status: criteria provided, single submitter. Criteria: Myriad Autosomal Dominant, Autosomal Recessive and X-Linked Classification Criteria (2023). Collection method: clinical testing. Allele origin: unknown.
Comment: This variant is considered benign. This variant is a silent/synonymous amino acid change and it is not expected to impact splicing.

Labcorp Genetics (formerly Invitae), Labcorp
Classification: Likely benign for Familial cancer of breast. Last evaluated: 2018-07-03. Review status: criteria provided, single submitter. Criteria: Invitae Variant Classification Sherloc (09022015). Collection method: clinical testing. Allele origin: germline.